The following is an entry in ClinVar:

NM_022049.3(GPR88):c.137C>T (p.Thr46Met)

Gene: GPR88 (G protein-coupled receptor 88; plus strand). Cytogenetic location: 1p21.2.
Variant type: single nucleotide variant.
Coding change: c.137C>T on transcript NM_022049.3 (MANE Select); coding-DNA position 137, C replaced by T.
Protein change: p.Thr46Met; replaces threonine 46 with methionine.
Molecular consequence: missense variant.
Genome position (GRCh38, 1-based): chr1:100,539,103, C>T. VCF-style: chr1-100539103-C-T. GRCh37 (hg19) VCF-style: chr1-101004659-C-T.
Other names: short protein forms T46M.
Identifiers: ClinVar variation 1463412 (VCV001463412.6), dbSNP rs138938028, ClinGen allele CA971047.

ClinVar aggregate classification (germline): Uncertain significance (1 of 4 stars; one submission).

Allele frequency attached by ClinVar (database versions not stated): gnomAD exomes below 0.00001; TOPMed below 0.00001; ExAC 0.00001; ESP Exome Variant Server 0.00008.

Submission:

Labcorp Genetics (formerly Invitae), Labcorp
Classification: Uncertain significance. Last evaluated: 2021-09-06. Review status: criteria provided, single submitter. Criteria: Invitae Variant Classification Sherloc (09022015). Collection method: clinical testing. Allele origin: germline.
Comment: In summary, the available evidence is currently insufficient to determine the role of this variant in disease. Therefore, it has been classified as a Variant of Uncertain Significance. Algorithms developed to predict the effect of missense changes on protein structure and function (SIFT, PolyPhen-2, Align-GVGD) all suggest that this variant is likely to be disruptive. This variant has not been reported in the literature in individuals affected with GPR88-related conditions. This variant is present in population databases (rs138938028, ExAC 0.02%). This sequence change replaces threonine with methionine at codon 46 of the GPR88 protein (p.Thr46Met). The threonine residue is highly conserved and there is a moderate physicochemical difference between threonine and methionine.